The following is an entry in ClinVar:

ClinVar aggregate classification (germline): Uncertain significance (1 of 4 stars; one submission).

Submission:

Ambry Genetics
Classification: Uncertain significance. Last evaluated: 2024-12-02. Review status: criteria provided, single submitter. Criteria: Ambry Variant Classification Scheme 2023. Collection method: clinical testing. Allele origin: germline.
Comment: The p.Y1153C variant (also known as c.3458A>G), located in coding exon 3 of the MLH3 gene, results from an A to G substitution at nucleotide position 3458. The tyrosine at codon 1153 is replaced by cysteine, an amino acid with highly dissimilar properties. This amino acid position is conserved. In addition, this alteration is predicted to be tolerated by in silico analysis. Based on the available evidence, the clinical significance of this variant remains unclear.

NM_001040108.2(MLH3):c.3458A>G (p.Tyr1153Cys)

Gene: MLH3 (mutL homolog 3; minus strand). Cytogenetic location: 14q24.3.
Variant type: single nucleotide variant.
Coding change: c.3458A>G on transcript NM_001040108.2 (MANE Select); coding-DNA position 3458, A replaced by G.
Protein change: p.Tyr1153Cys; replaces tyrosine 1153 with cysteine.
Molecular consequence: missense variant.
Genome position (GRCh38, 1-based): chr14:75,041,622, T>C on the plus strand (A>G on the coding strand, the complement: MLH3 is on the minus strand). VCF-style: chr14-75041622-T-C. GRCh37 (hg19) VCF-style: chr14-75508325-T-C.
Other names: c.3458A>G, p.Tyr1153Cys (NM_014381.3); short protein forms Y1153C.
Identifiers: ClinVar variation 3396783 (VCV003396783.1).